The following is an entry in ClinVar:

NM_001367721.1(CASK):c.2743A>G (p.Thr915Ala)

Genes: CASK (calcium/calmodulin dependent serine protein kinase; minus strand), CASK-AS1 (CASK antisense RNA 1; plus strand). Cytogenetic location: Xp11.4.
Variant type: single nucleotide variant.
Coding change: c.2743A>G on transcript NM_001367721.1 (MANE Select); coding-DNA position 2743, A replaced by G.
Protein change: p.Thr915Ala; replaces threonine 915 with alanine.
Molecular consequence: missense variant.
Genome position (GRCh38, 1-based): chrX:41,520,458, T>C on the plus strand (A>G on the coding strand, the complement: CASK is on the minus strand). VCF-style: chrX-41520458-T-C. GRCh37 (hg19) VCF-style: chrX-41379711-T-C.
Other names: c.2659A>G, p.Thr887Ala (NM_001126054.3); c.2656A>G, p.Thr886Ala (NM_001126055.3); c.2725A>G, p.Thr909Ala (NM_001410745.1); c.2728A>G, p.Thr910Ala (NM_003688.4); short protein forms T886A, T887A, T910A, T915A, T909A.
Identifiers: ClinVar variation 1306199 (VCV001306199.2), dbSNP rs775963628, ClinGen allele CA10389963.

ClinVar aggregate classification (germline): Uncertain significance (1 of 4 stars; one submission).

Allele frequency attached by ClinVar (database versions not stated): gnomAD exomes 0.00001 and 0.00002; TOPMed 0.00001; ExAC 0.00004.
gnomAD v4.1: 8 of 1,210,372 alleles (0.00066%); highest among the groups gnomAD compares: African/African-American, 0.0052%; no homozygotes.

Submission:

GeneDx
Classification: Uncertain significance. Last evaluated: 2020-03-05. Review status: criteria provided, single submitter. Criteria: GeneDx Variant Classification Process June 2021. Collection method: clinical testing. Allele origin: germline. Affected: yes.
Comment: In silico analysis supports that this missense variant does not alter protein structure/function; Has not been previously published as pathogenic or benign to our knowledge